The following is an entry in ClinVar:

NM_024422.6(DSC2):c.-12C>A

Genes: DSC2 (desmocollin 2; minus strand), DSCAS (DSC1/DSC2 antisense RNA; plus strand). Cytogenetic location: 18q12.1.
Variant type: single nucleotide variant.
Coding change: c.-12C>A on transcript NM_024422.6 (MANE Select); 12 bases upstream of the start codon, C replaced by A.
Molecular consequence: 5 prime UTR variant.
Genome position (GRCh38, 1-based): chr18:31,101,983, G>T on the plus strand (C>A on the coding strand, the complement: DSC2 is on the minus strand). VCF-style: chr18-31101983-G-T. GRCh37 (hg19) VCF-style: chr18-28681946-G-T.
Other names: c.-12C>A (NM_004949.5).
Identifiers: ClinVar variation 4756999 (VCV004756999.1).

ClinVar aggregate classification (germline): Uncertain significance (1 of 4 stars; one submission).

Conditions:
Cardiomyopathy (CMYO). Also called: Cardiomyopathies. Identifiers: Orphanet 167848, MedGen C0878544, MONDO:0004994, HP:0001638. Inheritance: Various modes of inheritance.

Submission:

Color Diagnostics, LLC DBA Color Health
Classification: Uncertain significance for Cardiomyopathy. Last evaluated: 2025-06-23. Review status: criteria provided, single submitter. Criteria: ACMG Guidelines, 2015. Collection method: clinical testing. Allele origin: germline.
Comment: This variant is located in the 5' untranslated region of the DSC2 gene. To our knowledge, functional studies have not been reported for this variant. This variant has not been reported in individuals affected with DSC2-related disorders in the literature. This variant has not been identified in the general population by the Genome Aggregation Database (gnomAD). The available evidence is insufficient to determine the role of this variant in disease conclusively. Therefore, this variant is classified as a Variant of Uncertain Significance.